The following is an entry in ClinVar:

NM_014639.4(SKIC3):c.830G>T (p.Gly277Val)

Gene: SKIC3 (SKI3 subunit of superkiller complex; minus strand). Cytogenetic location: 5q15.
Variant type: single nucleotide variant.
Coding change: c.830G>T on transcript NM_014639.4 (MANE Select); coding-DNA position 830, G replaced by T.
Protein change: p.Gly277Val; replaces glycine 277 with valine.
Molecular consequence: missense variant.
Genome position (GRCh38, 1-based): chr5:95,530,151, C>A on the plus strand (G>T on the coding strand, the complement: SKIC3 is on the minus strand). VCF-style: chr5-95530151-C-A. GRCh37 (hg19) VCF-style: chr5-94865855-C-A.
Other names: short protein forms G277V.
Identifiers: ClinVar variation 5006939 (VCV005006939.2).

ClinVar aggregate classification (germline): Uncertain significance (1 of 4 stars; one submission).

Conditions:
Trichohepatoenteric syndrome 1 (THES1). Also called: DIARRHEA, FATAL INFANTILE, WITH TRICHORRHEXIS NODOSA. Identifiers: Orphanet 84064, MedGen C4551982, MONDO:0024541, OMIM 222470.

gnomAD v4.1: 1 of 1,613,650 alleles (0.000062%); highest among the groups gnomAD compares: South Asian, 0.0011%; no homozygotes.

Submission:

Juno Genomics, Hangzhou Juno Genomics, Inc
Classification: Uncertain significance for Trichohepatoenteric syndrome 1. Review status: criteria provided, single submitter. Criteria: ACMG Guidelines, 2015. Collection method: clinical testing. Allele origin: germline.
Comment: Absent from controls (or at extremely low frequency if recessive) in Genome Aggregation Database.